The following is an entry in ClinVar:

NM_182641.4(BPTF):c.3209A>C (p.Gln1070Pro)

Gene: BPTF (bromodomain PHD finger transcription factor; plus strand). Cytogenetic location: 17q24.2.
Variant type: single nucleotide variant.
Coding change: c.3209A>C on transcript NM_182641.4 (MANE Select); coding-DNA position 3209, A replaced by C.
Protein change: p.Gln1070Pro; replaces glutamine 1070 with proline.
Molecular consequence: missense variant.
Genome position (GRCh38, 1-based): chr17:67,911,093, A>C. VCF-style: chr17-67911093-A-C. GRCh37 (hg19) VCF-style: chr17-65907209-A-C.
Other names: c.3587A>C, p.Gln1196Pro (NM_004459.7); short protein forms Q1070P, Q1196P.
Identifiers: ClinVar variation 1314380 (VCV001314380.2), dbSNP rs2146911578, ClinGen allele CA400726007.

ClinVar aggregate classification (germline): Uncertain significance (1 of 4 stars; one submission).

Submission:

GeneDx
Classification: Uncertain significance. Last evaluated: 2021-04-01. Review status: criteria provided, single submitter. Criteria: GeneDx Variant Classification Process June 2021. Collection method: clinical testing. Allele origin: germline. Affected: yes.
Comment: Not observed in large population cohorts (Lek et al., 2016); In silico analysis supports that this missense variant has a deleterious effect on protein structure/function; Has not been previously published as pathogenic or benign to our knowledge